The following is an entry in ClinVar:

ClinVar aggregate classification (germline): Pathogenic (1 of 4 stars; one submission).

Conditions:
Lynch syndrome 4 (LYNCH4). Also called: Hereditary non-polyposis colorectal cancer, type 4; Colorectal cancer, hereditary nonpolyposis, type 4. Identifiers: Orphanet 144, MedGen C1838333, MONDO:0013699, OMIM 614337. Disease mechanism: loss of function.

Submission:

Myriad Genetics, Inc.
Classification: Pathogenic for Lynch syndrome 4. Last evaluated: 2023-09-20. Review status: criteria provided, single submitter. Criteria: Myriad Autosomal Dominant, Autosomal Recessive and X-Linked Classification Criteria (2023). Collection method: clinical testing. Allele origin: unknown.
Comment: This variant is considered pathogenic. This variant creates a frameshift predicted to result in premature protein truncation.

NM_000535.7(PMS2):c.1231dup (p.Glu411fs)

Gene: PMS2 (PMS1 homolog 2, mismatch repair system component; minus strand). Cytogenetic location: 7p22.1.
Variant type: Duplication.
Coding change: c.1231dup on transcript NM_000535.7 (MANE Select); coding-DNA position 1231, one base duplicated (G; older notation c.1231dupG).
Protein change: p.Glu411fs; shifts the reading frame from glutamic acid 411.
Molecular consequence: frameshift variant. On other transcripts: non-coding transcript variant (1), intron variant (1).
Genome position (GRCh38, 1-based): chr7:5,987,534, C duplicated on the plus strand (G on the coding strand, the reverse complement: PMS2 is on the minus strand). VCF-style (leftmost placement, unchanged base first): chr7-5987533-T-TC. GRCh37 (hg19) VCF-style: chr7-6027164-T-TC.
Other names: c.826dup, p.Glu276Glyfs (NM_001018040.1); c.826dup, p.Glu276fs (NM_001322003.2, NM_001322004.2, NM_001322005.2 and 16 more transcripts); c.1075dup, p.Glu359fs (NM_001322006.2, NM_001406870.1); c.913dup, p.Glu305fs (NM_001322007.2, NM_001322008.2, NM_001406876.1 and 2 more transcripts); c.670dup, p.Glu224fs (NM_001322010.2, NM_001406906.1, NM_001406907.1); c.298dup, p.Glu100fs (NM_001322011.2, NM_001322012.2); c.658dup, p.Glu220fs (NM_001322013.2, NM_001406909.1); c.1231dup, p.Glu411fs (NM_001322014.2, NM_001406871.1, NM_001406872.1); and 14 more; short protein forms E100fs, E154fs, E220fs, E224fs, E240fs, E253fs, E256fs, E276fs.
Identifiers: ClinVar variation 2674226 (VCV002674226.1), dbSNP rs2535830326, ClinGen allele CA2681676776.
Genomic context (GRCh38, chr7:5,987,533, plus strand): 5'-TCTGTTGTGTGACGAAGAGAAAAGGCCTCTCGCAGTCTGGAAATGGACACGTCTTTTTTT[T>TC]CTTCTCCAGTCCTTAATGAAGGGGATTGATCCTGCTTTTCTACCATGGGCTTTTCCAAAT-3'